The following is an entry in ClinVar:

ClinVar aggregate classification (germline): Likely pathogenic (1 of 4 stars; one submission).

Conditions:
X-linked dominant chondrodysplasia, Chassaing-Lacombe type. Also called: Chondrodysplasia with platyspondyly, distinctive brachydactyly, hydrocephaly, and microphthalmia. Identifiers: Orphanet 163966, MedGen C3275476, MONDO:0010463, OMIM 300863.

Submission:

Rady Children's Institute for Genomic Medicine, Rady Children's Hospital San Diego
Classification: Likely pathogenic for Chondrodysplasia with platyspondyly, distinctive brachydactyly, hydrocephaly, and microphthalmia. Review status: criteria provided, single submitter. Criteria: ACMG Guidelines, 2015. Collection method: clinical testing. Allele origin: germline.
Comment: The HDAC6 gene is highly constrained (Z-score= 3.29 and pLI = 1), which suggests it is intolerant to variation. The c.1894C>T (p.His632Tyr) variant affects a moderately conserved amino acid; however, in silico analyses predict a benign effect on protein function. This variant has not been previously reported or functionally characterized in the literature to our knowledge. The c.1894C>T (p.His632Tyr) variant is absent from the gnomAD population database and thus is presumed to be rare. Analysis of the parental samples was negative for the variant, indicating this variant likely occurred as a de novo event. Based on the available evidence, c.1894C>T (p.His632Tyr) is classified as Likely Pathogenic

NM_006044.4(HDAC6):c.1894C>T (p.His632Tyr)

Gene: HDAC6 (histone deacetylase 6; plus strand). Cytogenetic location: Xp11.23.
Variant type: single nucleotide variant.
Coding change: c.1894C>T on transcript NM_006044.4 (MANE Select); coding-DNA position 1894, C replaced by T.
Protein change: p.His632Tyr; replaces histidine 632 with tyrosine.
Molecular consequence: missense variant. On other transcripts: non-coding transcript variant (1).
Genome position (GRCh38, 1-based): chrX:48,817,428, C>T. VCF-style: chrX-48817428-C-T. GRCh37 (hg19) VCF-style: chrX-48675835-C-T.
Other names: c.1936C>T, p.His646Tyr (NM_001321225.2); c.1894C>T, p.His632Tyr (NM_001321226.2, NM_001321227.2, NM_001321228.2 and 1 more transcripts); short protein forms H632Y, H646Y.
Identifiers: ClinVar variation 2573116 (VCV002573116.1), dbSNP rs2519445322, ClinGen allele CA412878626.